The following is an entry in ClinVar:

NM_024079.5(ALG8):c.908T>G (p.Leu303Trp)

Gene: ALG8 (ALG8 alpha-1,3-glucosyltransferase; minus strand). Cytogenetic location: 11q14.1.
Variant type: single nucleotide variant.
Coding change: c.908T>G on transcript NM_024079.5 (MANE Select); coding-DNA position 908, T replaced by G.
Protein change: p.Leu303Trp; replaces leucine 303 with tryptophan.
Molecular consequence: missense variant. On other transcripts: non-coding transcript variant (2), intron variant (8).
Genome position (GRCh38, 1-based): chr11:78,109,572, A>C on the plus strand (T>G on the coding strand, the complement: ALG8 is on the minus strand). VCF-style: chr11-78109572-A-C. GRCh37 (hg19) VCF-style: chr11-77820618-A-C.
Other names: c.908T>G (NM_024079.4); c.908T>G, p.Leu303Trp (NM_001007027.3, NM_001425222.1, NM_001425225.1 and 4 more transcripts); c.911T>G, p.Leu304Trp (NM_001425219.1); c.893T>G, p.Leu298Trp (NM_001425220.1); c.902T>G, p.Leu301Trp (NM_001425223.1); c.1001T>G, p.Leu334Trp (NM_001425224.1); c.755T>G, p.Leu252Trp (NM_001425226.1, NM_001425236.1); c.707T>G, p.Leu236Trp (NM_001425231.1); and 10 more; short protein forms L215W, L298W, L303W, L334W, L131W, L252W, L301W, L118W.
Identifiers: ClinVar variation 3703660 (VCV003703660.3).

ClinVar aggregate classification (germline): Uncertain significance. Review status: criteria provided, multiple submitters, no conflicts (2 of 4 stars). 2 submissions from 2 submitters: Uncertain significance (2). Last evaluated 2024-12-18.

Conditions:
ALG8 congenital disorder of glycosylation. Also called: ALG8-CDG; CONGENITAL DISORDER OF GLYCOSYLATION, TYPE Ih; CDG Ih. Identifiers: Orphanet 79325, MedGen C2931002, MONDO:0011969, OMIM 608104.
ALG8-related disorder.

gnomAD v4.1: 5 of 1,613,910 alleles (0.00031%); highest among the groups gnomAD compares: African/African-American, 0.0013%; no homozygotes.

Submissions (2):

PreventionGenetics, part of Exact Sciences
Classification: Uncertain significance for ALG8-related condition. Last evaluated: 2024-12-18. Review status: criteria provided, single submitter. Criteria: ACMG Guidelines, 2015. Collection method: clinical testing. Allele origin: germline.
Comment: The ALG8 c.908T>G variant is predicted to result in the amino acid substitution p.Leu303Trp. To our knowledge, this variant has not been reported in the literature or in a large population database (gnomAD), indicating this variant is rare. At this time, the clinical significance of this variant is uncertain due to the absence of conclusive functional and genetic evidence.

Labcorp Genetics (formerly Invitae), Labcorp
Classification: Uncertain significance for ALG8 congenital disorder of glycosylation. Last evaluated: 2024-05-09. Review status: criteria provided, single submitter. Criteria: Invitae Variant Classification Sherloc (09022015). Collection method: clinical testing. Allele origin: germline.
Comment: This sequence change replaces leucine, which is neutral and non-polar, with tryptophan, which is neutral and slightly polar, at codon 303 of the ALG8 protein (p.Leu303Trp). This variant is not present in population databases (gnomAD no frequency). This variant has not been reported in the literature in individuals affected with ALG8-related conditions. An algorithm developed to predict the effect of missense changes on protein structure and function (PolyPhen-2) suggests that this variant is likely to be disruptive. In summary, the available evidence is currently insufficient to determine the role of this variant in disease. Therefore, it has been classified as a Variant of Uncertain Significance.